The following is an entry in ClinVar:

ClinVar aggregate classification (germline): Uncertain significance (1 of 4 stars; one submission).

Conditions:
Nemaline myopathy 2 (NEM2). Also called: Nemaline myopathy 2, autosomal recessive. Identifiers: MedGen C1850569, MONDO:0009725, OMIM 256030.

Submission:

Labcorp Genetics (formerly Invitae), Labcorp
Classification: Uncertain significance for Nemaline myopathy 2. Last evaluated: 2022-07-16. Review status: criteria provided, single submitter. Criteria: Invitae Variant Classification Sherloc (09022015). Collection method: clinical testing. Allele origin: germline.
Comment: This variant, c.23302_23310del, results in the deletion of 3 amino acid(s) of the NEB protein (p.Pro7768_Phe7770del), but otherwise preserves the integrity of the reading frame. This variant is not present in population databases (gnomAD no frequency). This variant has not been reported in the literature in individuals affected with NEB-related conditions. Experimental studies and prediction algorithms are not available or were not evaluated, and the functional significance of this variant is currently unknown. In summary, the available evidence is currently insufficient to determine the role of this variant in disease. Therefore, it has been classified as a Variant of Uncertain Significance.

NM_001164508.2(NEB):c.23197_23205del (p.Pro7733_Phe7735del)

Genes: NEB (nebulin; minus strand), RIF1 (replication timing regulatory factor 1; plus strand). Cytogenetic location: 2q23.3.
Variant type: Deletion.
Coding change: c.23197_23205del on transcript NM_001164508.2 (MANE Select); coding-DNA positions 23197 to 23205, 9 bases deleted (CCGGATTTT; older notation c.23197_23205delCCGGATTTT).
Protein change: p.Pro7733_Phe7735del.
Molecular consequence: inframe deletion.
Genome position (GRCh38, 1-based): chr2:151,513,616-151,513,624, AAAATCCGG deleted on the plus strand (CCGGATTTT on the coding strand, the reverse complement: NEB is on the minus strand); deleting any 9 consecutive bases within chr2:151,513,616-151,513,625 gives the same sequence; the c. name uses the placement nearest the transcript's 3' end. VCF-style (leftmost placement, unchanged base first): chr2-151513615-TAAAATCCGG-T. GRCh37 (hg19) VCF-style: chr2-152370129-TAAAATCCGG-T.
Other names: c.23197_23205del, p.Pro7733_Phe7735del (NM_001164507.2); c.23302_23310del, p.Pro7768_Phe7770del (NM_001271208.2); c.18094_18102del, p.Pro6032_Phe6034del (NM_004543.5).
Identifiers: ClinVar variation 2068392 (VCV002068392.1), dbSNP rs2076001059, ClinGen allele CA1037865057.
Genomic context (GRCh38, chr2:151,513,615, plus strand): 5'-ATTGACATCGAATAGTAGCACTGACCTGACTGGCAATATCAGTAGCATTCCTGGCCCTCA[TAAAATCCGG>T]AGTTTCATTGGCCATGGCATTCAGGCCTCTTCCTTTGACTTCCAGTTCCAGGTCTCGCTT-3'